The following is an entry in ClinVar:

ClinVar aggregate classification (germline): Likely benign. Review status: criteria provided, multiple submitters, no conflicts (2 of 4 stars). 2 submissions from 2 submitters: Likely benign (2). Last evaluated 2024-08-08.

Conditions:
Dilated cardiomyopathy 1G (CMD1G). Identifiers: Orphanet 154, MedGen C1858763, MONDO:0011400, OMIM 604145.
Autosomal recessive limb-girdle muscular dystrophy type 2J (LGMDR10). Also called: MUSCULAR DYSTROPHY, LIMB-GIRDLE, AUTOSOMAL RECESSIVE 10; Limb-girdle muscular dystrophy, type 2J. Identifiers: Orphanet 140922, MedGen C1837342, MONDO:0012127, OMIM 608807.

Allele frequency attached by ClinVar (database versions not stated): gnomAD exomes 0.00003 and 0.00005; ExAC 0.00007; 1000 Genomes Project 0.00060; 1000 Genomes Project 30x 0.00062.
gnomAD v4.1: 39 of 1,599,224 alleles (0.0024%); highest among the groups gnomAD compares: South Asian, 0.042%; no homozygotes.

Submissions (2):

Labcorp Genetics (formerly Invitae), Labcorp
Classification: Likely benign for Dilated cardiomyopathy 1G; Autosomal recessive limb-girdle muscular dystrophy type 2J. Last evaluated: 2024-08-08. Review status: criteria provided, single submitter. Criteria: Invitae Variant Classification Sherloc (09022015). Collection method: clinical testing. Allele origin: germline.

GeneDx
Classification: Likely benign. Last evaluated: 2016-06-27. Review status: criteria provided, single submitter. Criteria: GeneDx Variant Classification (06012015). Collection method: clinical testing. Allele origin: germline. Affected: yes.
Comment: This variant is considered likely benign or benign based on one or more of the following criteria: it is a conservative change, it occurs at a poorly conserved position in the protein, it is predicted to be benign by multiple in silico algorithms, and/or has population frequency not consistent with disease.

NM_001267550.2(TTN):c.3798A>C (p.Thr1266=)

Genes: TTN (titin; minus strand), LOC101927055 (uncharacterized LOC101927055; plus strand). Cytogenetic location: 2q31.2.
Variant type: single nucleotide variant.
Coding change: c.3798A>C on transcript NM_001267550.2 (MANE Select); coding-DNA position 3798, A replaced by C.
Protein change: p.Thr1266=; no amino-acid change (threonine 1266 retained).
Molecular consequence: synonymous variant.
Genome position (GRCh38, 1-based): chr2:178,779,394, T>G on the plus strand (A>C on the coding strand, the complement: TTN is on the minus strand). VCF-style: chr2-178779394-T-G. GRCh37 (hg19) VCF-style: chr2-179644121-T-G.
Other names: c.3798A>C, p.Thr1266= (NM_001256850.1, NM_133378.4, NM_133379.5); c.3660A>C, p.Thr1220= (NM_003319.4, NM_133432.3, NM_133437.4).
Identifiers: ClinVar variation 387171 (VCV000387171.10), dbSNP rs527497634, ClinGen allele CA2005467.